The following is an entry in ClinVar:

ClinVar aggregate classification (germline): Uncertain significance (1 of 4 stars; one submission).

Conditions:
Loeys-Dietz syndrome 2 (LDS2). Also called: Marfan syndrome, type 2 (formerly); TGFBR2-Related Loeys-Dietz Syndrome; Marfan Syndrome type 2; Marfan like connective tissue disorder; MFS 2; AORTIC ANEURYSM, FAMILIAL THORACIC 3. Identifiers: Orphanet 284973, Orphanet 558, MedGen C2674574, MONDO:0012427, OMIM 610168.

Allele frequency attached by ClinVar (database versions not stated): gnomAD exomes below 0.00001 and 0.00001; ExAC 0.00002.
gnomAD v4.1: 2 of 1,614,200 alleles (0.00012%); highest among the groups gnomAD compares: Non-Finnish European, 0.00017%; no homozygotes.

Submission:

Labcorp Genetics (formerly Invitae), Labcorp
Classification: Uncertain significance for Loeys-Dietz syndrome 2. Last evaluated: 2022-08-23. Review status: criteria provided, single submitter. Criteria: Invitae Variant Classification Sherloc (09022015). Collection method: clinical testing. Allele origin: germline.
Comment: ClinVar contains an entry for this variant (Variation ID: 574077). In summary, the available evidence is currently insufficient to determine the role of this variant in disease. Therefore, it has been classified as a Variant of Uncertain Significance. Algorithms developed to predict the effect of missense changes on protein structure and function output the following: SIFT: "Tolerated"; PolyPhen-2: "Benign"; Align-GVGD: "Class C0". The valine amino acid residue is found in multiple mammalian species, which suggests that this missense change does not adversely affect protein function. This sequence change replaces isoleucine, which is neutral and non-polar, with valine, which is neutral and non-polar, at codon 498 of the TMPO protein (p.Ile498Val). This variant is present in population databases (rs754188509, gnomAD 0.002%). This variant has not been reported in the literature in individuals affected with TMPO-related conditions.

NM_001032283.3(TMPO):c.565+1911A>G

Gene: TMPO (thymopoietin; plus strand). Cytogenetic location: 12q23.1.
Variant type: single nucleotide variant.
Coding change: c.565+1911A>G on transcript NM_001032283.3 (MANE Select); 1911 bases into the intron after coding-DNA position 565, A replaced by G.
Molecular consequence: intron variant. On other transcripts: missense variant (1).
Genome position (GRCh38, 1-based): chr12:98,533,749, A>G. VCF-style: chr12-98533749-A-G. GRCh37 (hg19) VCF-style: chr12-98927527-A-G.
Other names: c.1492A>G, p.Ile498Val (NM_003276.2); c.565+1911A>G (NM_001307975.2, NM_001032284.3); short protein forms I498V.
Identifiers: ClinVar variation 574077 (VCV000574077.9), dbSNP rs754188509, ClinGen allele CA6732425.
Genomic context (GRCh38, chr12:98,533,749, plus strand): 5'-AAGCAATCACAGCATGATAAAATAGATGCCTCAGAACTATCTTTTCCCTTCCATGAATCT[A>G]TTTTAAAAGTAATTGAAGAAGAATGGCAGCAAGTTGACAGGCAGCTGCCTTCACTGGCAT-3'